The following is an entry in ClinVar:

NM_024642.5(GALNT12):c.1345-13A>G

Gene: GALNT12 (polypeptide N-acetylgalactosaminyltransferase 12; plus strand). Cytogenetic location: 9q22.33.
Variant type: single nucleotide variant.
Coding change: c.1345-13A>G on transcript NM_024642.5 (MANE Select); 13 bases into the intron before coding-DNA position 1345, A replaced by G.
Molecular consequence: intron variant.
Genome position (GRCh38, 1-based): chr9:98,844,083, A>G. VCF-style: chr9-98844083-A-G. GRCh37 (hg19) VCF-style: chr9-101606365-A-G.
Identifiers: ClinVar variation 4875761 (VCV004875761.1).
Genomic context (GRCh38, chr9:98,844,083, plus strand): 5'-TCCCCAAGCCTTGTGTGGCATCTGTTAGTGTCTATAAATCTGGACTGAAATGCCACATTT[A>G]TGTTTTATTTAGCTCCAGAACAAAGGACTAACAGACTACTGCTTTGACTATAACCCTCCC-3'

ClinVar aggregate classification (germline): Likely benign (1 of 4 stars; one submission).

Conditions:
Colorectal cancer, susceptibility to, 1. Also called: COLORECTAL ADENOMA AND CANCER, SUSCEPTIBILITY TO; COLORECTAL CANCER, SUSCEPTIBILITY TO, ON CHROMOSOME 9. Identifiers: MedGen C1837315, MONDO:0012132, OMIM 608812.

gnomAD v4.1: 1 of 1,570,462 alleles (0.000064%); highest among the groups gnomAD compares: South Asian, 0.0011%; no homozygotes.

Submission:

Myriad Genetics, Inc.
Classification: Likely benign for Colorectal cancer, susceptibility to, 1. Last evaluated: 2026-04-22. Review status: criteria provided, single submitter. Criteria: Myriad Autosomal Dominant, Autosomal Recessive and X-Linked Classification Criteria (2023). Collection method: clinical testing. Allele origin: unknown.
Comment: This variant is considered likely benign. This variant is intronic and is not expected to impact mRNA splicing.